The following is an entry in ClinVar:

ClinVar aggregate classification (germline): Uncertain significance (1 of 4 stars; one submission).

Conditions:
Epidermolysis bullosa simplex 5B, with muscular dystrophy (EBS5B). Also called: Epidermolysis bullosa simplex with muscular dystrophy; EPIDERMOLYSIS BULLOSA SIMPLEX AND LIMB-GIRDLE MUSCULAR DYSTROPHY. Identifiers: Orphanet 257, MedGen C2931072, MONDO:0009181, OMIM 226670.
Epidermolysis bullosa simplex 5C, with pyloric atresia (EBS5C). Also called: PLEC1-Related Epidermolysis Bullosa with Pyloric Atresia; PLEC-Related Epidermolysis Bullosa with Pyloric Atresia; Epidermolysis bullosa simplex with pyloric atresia. Identifiers: Orphanet 158684, MedGen C2677349, MONDO:0012807, OMIM 612138.
Autosomal recessive limb-girdle muscular dystrophy type 2Q (LGMDR17). Also called: MUSCULAR DYSTROPHY, LIMB-GIRDLE, AUTOSOMAL RECESSIVE 17. Identifiers: Orphanet 254361, MedGen C3150989, MONDO:0013390, OMIM 613723.
Epidermolysis bullosa simplex, Ogna type (EBS5A). Also called: Pidermolysis bullosa simplex 5A, Ogna type; EPIDERMOLYSIS BULLOSA SIMPLEX 5A, OGNA TYPE. Identifiers: Orphanet 79401, MedGen C0432317, MONDO:0007555, OMIM 131950.
Epidermolysis bullosa simplex with nail dystrophy (EBS5D). Identifiers: MedGen C4225309, MONDO:0014661, OMIM 616487.

Allele frequency attached by ClinVar (database versions not stated): TOPMed below 0.00001; ExAC 0.00001; gnomAD 0.00001.
gnomAD v4.1: 7 of 1,611,924 alleles (0.00043%); highest among the groups gnomAD compares: Non-Finnish European, 0.00051%; no homozygotes.

Submission:

Labcorp Genetics (formerly Invitae), Labcorp
Classification: Uncertain significance for Autosomal recessive limb-girdle muscular dystrophy type 2Q; Epidermolysis bullosa simplex, Ogna type; Epidermolysis bullosa simplex with nail dystrophy; Epidermolysis bullosa simplex 5C, with pyloric atresia; Epidermolysis bullosa simplex 5B, with muscular dystrophy. Last evaluated: 2022-08-09. Review status: criteria provided, single submitter. Criteria: Invitae Variant Classification Sherloc (09022015). Collection method: clinical testing. Allele origin: germline.
Comment: In summary, the available evidence is currently insufficient to determine the role of this variant in disease. Therefore, it has been classified as a Variant of Uncertain Significance. Variants that disrupt the consensus splice site are a relatively common cause of aberrant splicing (PMID: 17576681, 9536098). Algorithms developed to predict the effect of sequence changes on RNA splicing suggest that this variant is not likely to affect RNA splicing. ClinVar contains an entry for this variant (Variation ID: 1394107). This variant has not been reported in the literature in individuals affected with PLEC-related conditions. This variant is present in population databases (rs782070756, gnomAD 0.0009%). This sequence change falls in intron 12 of the PLEC gene. It does not directly change the encoded amino acid sequence of the PLEC protein. It affects a nucleotide within the consensus splice site.

Literature cited by the submitters: PubMed 17576681; PubMed 9536098.

NM_201384.3(PLEC):c.1169+3G>T

Gene: PLEC (plectin; minus strand). Cytogenetic location: 8q24.3.
Variant type: single nucleotide variant.
Coding change: c.1169+3G>T on transcript NM_201384.3 (MANE Select); 3 bases into the intron after coding-DNA position 1169, G replaced by T.
Molecular consequence: intron variant.
Genome position (GRCh38, 1-based): chr8:143,934,315, C>A on the plus strand (G>T on the coding strand, the complement: PLEC is on the minus strand). VCF-style: chr8-143934315-C-A. GRCh37 (hg19) VCF-style: chr8-145008483-C-A.
Other names: c.1250+3G>T (NM_000445.5); c.1127+3G>T (NM_201378.4); c.1103+3G>T (NM_201379.3); c.1580+3G>T (NM_201380.4); c.1073+3G>T (NM_201381.3); c.1169+3G>T (NM_201382.4); c.1181+3G>T (NM_201383.3).
Identifiers: ClinVar variation 1394107 (VCV001394107.6), dbSNP rs782070756, ClinGen allele CA4928152.